The following is an entry in ClinVar:

ClinVar aggregate classification (germline): Uncertain significance (1 of 4 stars; one submission).

Conditions:
Charcot-Marie-Tooth disease type 4. Also called: Charcot-Marie-Tooth disease, type IV; Charcot-Marie-Tooth, Type 4. Identifiers: Orphanet 64749, MedGen C4082197, MONDO:0018995.

Allele frequency attached by ClinVar (database versions not stated): gnomAD exomes below 0.00001; ExAC 0.00001.
gnomAD v4.1: 3 of 1,585,314 alleles (0.00019%); highest among the groups gnomAD compares: Admixed American, 0.0034%; no homozygotes.

Submission:

Labcorp Genetics (formerly Invitae), Labcorp
Classification: Uncertain significance for Charcot-Marie-Tooth disease type 4. Last evaluated: 2024-04-30. Review status: criteria provided, single submitter. Criteria: Invitae Variant Classification Sherloc (09022015). Collection method: clinical testing. Allele origin: germline.
Comment: This sequence change replaces leucine, which is neutral and non-polar, with valine, which is neutral and non-polar, at codon 1559 of the SBF2 protein (p.Leu1559Val). This variant is present in population databases (rs751615833, gnomAD 0.003%). This variant has not been reported in the literature in individuals affected with SBF2-related conditions. ClinVar contains an entry for this variant (Variation ID: 1932768). Advanced modeling of protein sequence and biophysical properties (such as structural, functional, and spatial information, amino acid conservation, physicochemical variation, residue mobility, and thermodynamic stability) performed at Invitae indicates that this missense variant is expected to disrupt SBF2 protein function with a positive predictive value of 80%. In summary, the available evidence is currently insufficient to determine the role of this variant in disease. Therefore, it has been classified as a Variant of Uncertain Significance.

NM_030962.4(SBF2):c.4675T>G (p.Leu1559Val)

Genes: SBF2 (SET binding factor 2; minus strand), SBF2-AS1 (SBF2 antisense RNA 1; plus strand), LOC105369149 (uncharacterized LOC105369149; plus strand). Cytogenetic location: 11p15.4.
Variant type: single nucleotide variant.
Coding change: c.4675T>G on transcript NM_030962.4 (MANE Select); coding-DNA position 4675, T replaced by G.
Protein change: p.Leu1559Val; replaces leucine 1559 with valine.
Molecular consequence: missense variant.
Genome position (GRCh38, 1-based): chr11:9,790,579, A>C on the plus strand (T>G on the coding strand, the complement: SBF2 is on the minus strand). VCF-style: chr11-9790579-A-C. GRCh37 (hg19) VCF-style: chr11-9812126-A-C.
Other names: c.4771T>G, p.Leu1591Val (NM_001386339.1); c.4546T>G, p.Leu1516Val (NM_001386342.1); short protein forms L1559V, L1516V, L1591V.
Identifiers: ClinVar variation 1932768 (VCV001932768.5), dbSNP rs751615833, ClinGen allele CA5880927.